The following is an entry in ClinVar:

ClinVar aggregate classification (germline): Uncertain significance (1 of 4 stars; one submission).

Conditions:
Cardiovascular phenotype. Identifiers: MedGen CN230736.

Submission:

Ambry Genetics
Classification: Uncertain significance for Cardiovascular phenotype. Last evaluated: 2025-02-10. Review status: criteria provided, single submitter. Criteria: Ambry Variant Classification Scheme 2023. Collection method: clinical testing. Allele origin: germline.
Comment: The p.K2021T variant (also known as c.6062A>C), located in coding exon 25 of the AKAP9 gene, results from an A to C substitution at nucleotide position 6062. The lysine at codon 2021 is replaced by threonine, an amino acid with similar properties. This amino acid position is conserved. In addition, this alteration is predicted to be tolerated by in silico analysis. Based on the available evidence, the clinical significance of this variant remains unclear.

NM_005751.5(AKAP9):c.6062A>C (p.Lys2021Thr)

Gene: AKAP9 (A-kinase anchoring protein 9; plus strand). Cytogenetic location: 7q21.2.
Variant type: single nucleotide variant.
Coding change: c.6062A>C on transcript NM_005751.5 (MANE Select); coding-DNA position 6062, A replaced by C.
Protein change: p.Lys2021Thr; replaces lysine 2021 with threonine.
Molecular consequence: missense variant.
Genome position (GRCh38, 1-based): chr7:92,065,315, A>C. VCF-style: chr7-92065315-A-C. GRCh37 (hg19) VCF-style: chr7-91694629-A-C.
Other names: c.707A>C, p.Lys236Thr (NM_001379277.1); c.6062A>C, p.Lys2021Thr (NM_147185.3); short protein forms K2021T, K236T.
Identifiers: ClinVar variation 3849685 (VCV003849685.1).